The following is an entry in ClinVar:

NM_199334.5(THRA):c.641C>G (p.Ala214Gly)

Gene: THRA (thyroid hormone receptor alpha; plus strand). Cytogenetic location: 17q21.1.
Variant type: single nucleotide variant.
Coding change: c.641C>G on transcript NM_199334.5 (MANE Select); coding-DNA position 641, C replaced by G.
Protein change: p.Ala214Gly; replaces alanine 214 with glycine.
Molecular consequence: missense variant.
Genome position (GRCh38, 1-based): chr17:40,086,771, C>G. VCF-style: chr17-40086771-C-G. GRCh37 (hg19) VCF-style: chr17-38243024-C-G.
Other names: c.641C>G, p.Ala214Gly (NM_001190918.2, NM_001190919.2, NM_003250.6); short protein forms A214G.
Identifiers: ClinVar variation 847657 (VCV000847657.10), dbSNP rs1987333906, ClinGen allele CA399272307.

ClinVar aggregate classification (germline): Likely pathogenic (1 of 4 stars; one submission).

Submission:

Labcorp Genetics (formerly Invitae), Labcorp
Classification: Likely pathogenic. Last evaluated: 2019-12-14. Review status: criteria provided, single submitter. Criteria: Invitae Variant Classification Sherloc (09022015). Collection method: clinical testing. Allele origin: germline.
Comment: This variant has been observed in individual(s) with clinical features of THRA-related disease (Invitae). In at least one individual the variant was observed to be de novo. This variant is not present in population databases (ExAC no frequency). This sequence change replaces alanine with glycine at codon 214 of the THRA protein (p.Ala214Gly). The alanine residue is highly conserved and there is a small physicochemical difference between alanine and glycine. Algorithms developed to predict the effect of missense changes on protein structure and function are either unavailable or do not agree on the potential impact of this missense change (SIFT: "Deleterious"; PolyPhen-2: "Possibly Damaging"; Align-GVGD: "Class C0"). In summary, the currently available evidence indicates that the variant is pathogenic, but additional data are needed to prove that conclusively. Therefore, this variant has been classified as Likely Pathogenic.